The following is an entry in ClinVar:

NM_000747.3(CHRNB1):c.959C>T (p.Thr320Ile)

Gene: CHRNB1 (cholinergic receptor nicotinic beta 1 subunit; plus strand). Cytogenetic location: 17p13.1.
Variant type: single nucleotide variant.
Coding change: c.959C>T on transcript NM_000747.3 (MANE Select); coding-DNA position 959, C replaced by T.
Protein change: p.Thr320Ile; replaces threonine 320 with isoleucine.
Molecular consequence: missense variant.
Genome position (GRCh38, 1-based): chr17:7,454,435, C>T. VCF-style: chr17-7454435-C-T. GRCh37 (hg19) VCF-style: chr17-7357754-C-T.
Other names: c.959C>T (NM_000747.2); short protein forms T320I.
Identifiers: ClinVar variation 3017927 (VCV003017927.4), dbSNP rs761535567, ClinGen allele CA8347923.

ClinVar aggregate classification (germline): Uncertain significance. Review status: criteria provided, multiple submitters, no conflicts (2 of 4 stars). 2 submissions from 2 submitters: Uncertain significance (2). Last evaluated 2024-05-07.

Conditions:
Inborn genetic diseases. Identifiers: MedGen C0950123, MeSH D030342.
Congenital myasthenic syndrome 2A. Also called: Myasthenic syndrome, congenital, 2a, slow-channel. Identifiers: Orphanet 590, MedGen C4225374, MONDO:0014581, OMIM 616313.

gnomAD v4.1: 3 of 1,614,110 alleles (0.00019%); highest among the groups gnomAD compares: South Asian, 0.0022%; no homozygotes.

Submissions (2):

Labcorp Genetics (formerly Invitae), Labcorp
Classification: Uncertain significance for Congenital myasthenic syndrome 2A. Last evaluated: 2024-05-07. Review status: criteria provided, single submitter. Criteria: Invitae Variant Classification Sherloc (09022015). Collection method: clinical testing. Allele origin: germline.
Comment: This sequence change replaces threonine, which is neutral and polar, with isoleucine, which is neutral and non-polar, at codon 320 of the CHRNB1 protein (p.Thr320Ile). This variant is present in population databases (rs761535567, gnomAD 0.01%). This variant has not been reported in the literature in individuals affected with CHRNB1-related conditions. Advanced modeling of protein sequence and biophysical properties (such as structural, functional, and spatial information, amino acid conservation, physicochemical variation, residue mobility, and thermodynamic stability) performed at Invitae indicates that this missense variant is not expected to disrupt CHRNB1 protein function with a negative predictive value of 80%. In summary, the available evidence is currently insufficient to determine the role of this variant in disease. Therefore, it has been classified as a Variant of Uncertain Significance.

Ambry Genetics
Classification: Uncertain significance for Inborn genetic diseases. Last evaluated: 2024-05-06. Review status: criteria provided, single submitter. Criteria: Ambry Variant Classification Scheme 2023. Collection method: clinical testing. Allele origin: germline.